The following is an entry in ClinVar:

NM_000474.4(TWIST1):c.35C>T (p.Pro12Leu)

Gene: TWIST1 (twist family bHLH transcription factor 1; minus strand). Cytogenetic location: 7p21.1.
Variant type: single nucleotide variant.
Coding change: c.35C>T on transcript NM_000474.4 (MANE Select); coding-DNA position 35, C replaced by T.
Protein change: p.Pro12Leu; replaces proline 12 with leucine.
Molecular consequence: missense variant. On other transcripts: non-coding transcript variant (1).
Genome position (GRCh38, 1-based): chr7:19,117,287, G>A on the plus strand (C>T on the coding strand, the complement: TWIST1 is on the minus strand). VCF-style: chr7-19117287-G-A. GRCh37 (hg19) VCF-style: chr7-19156910-G-A.
Other names: short protein forms P12L.
Identifiers: ClinVar variation 3068879 (VCV003068879.2), dbSNP rs192275163, ClinGen allele CA155466640.

ClinVar aggregate classification (germline): Uncertain significance (1 of 4 stars; one submission).

Allele frequency attached by ClinVar (database versions not stated): gnomAD 0.00002; gnomAD exomes 0.00002.
gnomAD v4.1: 24 of 1,474,688 alleles (0.0016%); highest among the groups gnomAD compares: Non-Finnish European, 0.002%; no homozygotes.

Submission:

Women's Health and Genetics/Laboratory Corporation of America, LabCorp
Classification: Uncertain significance. Last evaluated: 2024-02-19. Review status: criteria provided, single submitter. Criteria: LabCorp Variant Classification Summary - May 2015. Collection method: clinical testing. Allele origin: germline.
Comment: Variant summary: TWIST1 c.35C>T (p.Pro12Leu) results in a non-conservative amino acid change in the encoded protein sequence. Five of five in-silico tools predict a damaging effect of the variant on protein function. The variant allele was found at a frequency of 2.2e-05 in 89894 control chromosomes. The available data on variant occurrences in the general population are insufficient to allow any conclusion about variant significance. To our knowledge, no occurrence of c.35C>T in individuals affected with TWIST1-Related Disorders and no experimental evidence demonstrating its impact on protein function have been reported. No submitters have cited clinical-significance assessments for this variant to ClinVar. Based on the evidence outlined above, the variant was classified as uncertain significance.